The following is an entry in ClinVar:

ClinVar aggregate classification (germline): Benign/Likely benign. Review status: criteria provided, multiple submitters, no conflicts (2 of 4 stars). 4 submissions from 4 submitters: Benign (1); Likely benign (3). Last evaluated 2025-07-20.

Conditions:
Hereditary cancer-predisposing syndrome. Also called: Tumor predisposition; Hereditary Cancer Syndrome; Neoplastic Syndromes, Hereditary; Hereditary neoplastic syndrome. Identifiers: Orphanet 140162, MedGen C0027672, MeSH D009386, MONDO:0015356.
Tuberous sclerosis syndrome (TSC). Also called: Tuberous Sclerosis Complex; Tuberous sclerosis. Identifiers: Orphanet 805, MedGen C0041341, MONDO:0001734.
Tuberous sclerosis 2 (TSC2). Identifiers: Orphanet 805, MedGen C1860707, MONDO:0013199, OMIM 613254.

Allele frequency attached by ClinVar (database versions not stated): gnomAD exomes below 0.00001 and 0.00002; ExAC 0.00001; TOPMed 0.00001; gnomAD 0.00003.
gnomAD v4.1: 27 of 1,610,994 alleles (0.0017%); highest among the groups gnomAD compares: Middle Eastern, 0.017%; no homozygotes.

Submissions (4):

Labcorp Genetics (formerly Invitae), Labcorp
Classification: Likely benign for Tuberous sclerosis 2. Last evaluated: 2025-07-20. Review status: criteria provided, single submitter. Criteria: Invitae Variant Classification Sherloc (09022015). Collection method: clinical testing. Allele origin: germline.

Myriad Genetics, Inc.
Classification: Benign for Tuberous sclerosis 2. Last evaluated: 2025-05-29. Review status: criteria provided, single submitter. Criteria: Myriad Autosomal Dominant, Autosomal Recessive and X-Linked Classification Criteria (2023). Collection method: clinical testing. Allele origin: unknown.
Comment: This variant is considered benign. This variant is a silent/synonymous amino acid change and it is not expected to impact splicing.

All of Us Research Program, National Institutes of Health
Classification: Likely benign for Tuberous sclerosis syndrome. Last evaluated: 2023-08-15. Review status: criteria provided, single submitter. Criteria: ACMG Guidelines, 2015. Collection method: clinical testing. Allele origin: germline. Inheritance: Autosomal dominant inheritance. Observed: 1 variant allele, 1 heterozygote.
Comment: This study involves interpretation of variants in research participants for the purpose of population health screening. Participant phenotype was not available at the time of variant classification. Additional details can be found in publication PMID: 35346344, PMCID: PMC8962531

Ambry Genetics
Classification: Likely benign for Hereditary cancer-predisposing syndrome. Last evaluated: 2021-05-26. Review status: criteria provided, single submitter. Criteria: Ambry Variant Classification Scheme 2023. Collection method: clinical testing. Allele origin: germline.

NM_000548.5(TSC2):c.3342C>T (p.Ser1114=)

Gene: TSC2 (TSC complex subunit 2; plus strand). Cytogenetic location: 16p13.3.
Variant type: single nucleotide variant.
Coding change: c.3342C>T on transcript NM_000548.5 (MANE Select); coding-DNA position 3342, C replaced by T.
Protein change: p.Ser1114=; no amino-acid change (serine 1114 retained).
Molecular consequence: synonymous variant.
Genome position (GRCh38, 1-based): chr16:2,079,614, C>T. VCF-style: chr16-2079614-C-T. GRCh37 (hg19) VCF-style: chr16-2129615-C-T.
Other names: c.3210C>T, p.Ser1070= (NM_001077183.3, NM_001370404.1); c.3342C>T, p.Ser1114= (NM_001114382.3); c.3102C>T, p.Ser1034= (NM_001318827.2); c.3066C>T, p.Ser1022= (NM_001318829.2); c.2610C>T, p.Ser870= (NM_001318831.2); c.3243C>T, p.Ser1081= (NM_001318832.2); c.3213C>T, p.Ser1071= (NM_001363528.2, NM_001370405.1, NM_021055.3).
Identifiers: ClinVar variation 763008 (VCV000763008.14), dbSNP rs755871381, ClinGen allele CA045765.